The following is an entry in ClinVar:

NM_017514.5(PLXNA3):c.1851G>A (p.Leu617=)

Gene: PLXNA3 (plexin A3; plus strand). Cytogenetic location: Xq28.
Variant type: single nucleotide variant.
Coding change: c.1851G>A on transcript NM_017514.5 (MANE Select); coding-DNA position 1851, G replaced by A.
Protein change: p.Leu617=; no amino-acid change (leucine 617 retained).
Molecular consequence: synonymous variant.
Genome position (GRCh38, 1-based): chrX:154,464,424, G>A. VCF-style: chrX-154464424-G-A. GRCh37 (hg19) VCF-style: chrX-153692767-G-A.
Identifiers: ClinVar variation 4986638 (VCV004986638.1).
Genomic context (GRCh38, chrX:154,464,424, plus strand): 5'-CCCCCAGCGAGTTCACGGCCACCCCGGGACTGCTGCAGGGGCCACCCGCACTGTGCGGCT[G>A]CAGCTTCTCTCCAAGGAGACAGGCGTGAGGTTTGCCGGTGCTGACTTTGTCTTCTACAAC-3'
Protein context (NP_059984.3, residues 607-627): RGHGATRTVR[Leu617=]QLLSKETGVR

ClinVar aggregate classification (germline): Likely benign (1 of 4 stars; one submission).

Conditions:
PLXNA3-related disorder. Also called: PLXNA3-related condition.

gnomAD v4.1: 39 of 1,209,930 alleles (0.0032%); highest among the groups gnomAD compares: Non-Finnish European, 0.0044%; no homozygotes.

Submission:

PreventionGenetics, part of Exact Sciences
Classification: Likely benign for PLXNA3-related condition. Last evaluated: 2026-08-04. Review status: criteria provided, single submitter. Criteria: ACMG Guidelines, 2015. Collection method: clinical testing. Allele origin: germline.
Comment: This variant is classified as likely benign based on ACMG/AMP sequence variant interpretation guidelines (Richards et al. 2015 PMID: 25741868, with internal and published modifications).